The following is an entry in ClinVar:

ClinVar aggregate classification (germline): Conflicting classifications of pathogenicity. Review status: criteria provided, conflicting classifications (1 of 4 stars). 6 submissions from 6 submitters: Uncertain significance (3); Likely benign (1). 2 of the submissions do not count toward it. Last evaluated 2024-08-02.

Conditions:
Hereditary cancer-predisposing syndrome. Also called: Tumor predisposition; Neoplastic Syndromes, Hereditary; Hereditary neoplastic syndrome; Hereditary Cancer Syndrome. Identifiers: Orphanet 140162, MedGen C0027672, MeSH D009386, MONDO:0015356.
Hereditary breast ovarian cancer syndrome. Also called: Hereditary breast and ovarian cancer; Hereditary breast and ovarian cancer syndrome (HBOC); Hereditary breast and/or ovarian cancer syndrome; Breast and ovarian cancer; Hereditary breast and ovarian cancer syndrome; BRCA1- and BRCA2-Associated Hereditary Breast and Ovarian Cancer. Identifiers: Orphanet 145, MedGen C0677776, MeSH D061325, MONDO:0003582. Disease mechanism: loss of function.
Breast-ovarian cancer, familial, susceptibility to, 2 (BROVCA2). Also called: BRCA2 Hereditary Breast and Ovarian Cancer. Identifiers: Orphanet 145, MedGen C2675520, MONDO:0012933, OMIM 612555. Disease mechanism: loss of function.

Submissions (6):

Ambry Genetics
Classification: Uncertain significance for Hereditary cancer-predisposing syndrome. Last evaluated: 2024-08-02. Review status: criteria provided, single submitter. Criteria: Ambry Variant Classification Scheme 2023. Collection method: clinical testing. Allele origin: germline.
Comment: The p.N852S variant (also known as c.2555A>G), located in coding exon 10 of the BRCA2 gene, results from an A to G substitution at nucleotide position 2555. The asparagine at codon 852 is replaced by serine, an amino acid with highly similar properties. This amino acid position is poorly conserved in available vertebrate species. In addition, this alteration is predicted to be tolerated by in silico analysis. Since supporting evidence is limited at this time, the clinical significance of this alteration remains unclear.

Labcorp Genetics (formerly Invitae), Labcorp
Classification: Uncertain significance for Hereditary breast ovarian cancer syndrome. Last evaluated: 2024-04-17. Review status: criteria provided, single submitter. Criteria: Invitae Variant Classification Sherloc (09022015). Collection method: clinical testing. Allele origin: germline.
Comment: This sequence change replaces asparagine, which is neutral and polar, with serine, which is neutral and polar, at codon 852 of the BRCA2 protein (p.Asn852Ser). This variant is not present in population databases (gnomAD no frequency). This variant has not been reported in the literature in individuals affected with BRCA2-related conditions. ClinVar contains an entry for this variant (Variation ID: 37790). Advanced modeling of protein sequence and biophysical properties (such as structural, functional, and spatial information, amino acid conservation, physicochemical variation, residue mobility, and thermodynamic stability) performed at Invitae indicates that this missense variant is not expected to disrupt BRCA2 protein function with a negative predictive value of 95%. In summary, the available evidence is currently insufficient to determine the role of this variant in disease. Therefore, it has been classified as a Variant of Uncertain Significance.

University of Washington Department of Laboratory Medicine, University of Washington
Classification: Likely benign for Hereditary cancer-predisposing syndrome. Last evaluated: 2023-03-23. Review status: criteria provided, single submitter. Criteria: Dines et al. (Genet Med. 2020). Collection method: curation. Allele origin: germline.
Comment: Missense variant in a coldspot region where missense variants are very unlikely to be pathogenic (PMID:31911673).

BRCA2 exon 11 coldspot. Reclassification based on statistical prior probability.

Quest Diagnostics Nichols Institute San Juan Capistrano
Classification: Uncertain significance. Last evaluated: 2021-01-06. Review status: criteria provided, single submitter. Criteria: Quest Diagnostics criteria. Collection method: clinical testing. Allele origin: unknown.

Sharing Clinical Reports Project (SCRP)
Classification: Uncertain significance for Breast-ovarian cancer, familial 2. Last evaluated: 2006-02-01. Review status: no assertion criteria provided. Collection method: clinical testing. Allele origin: germline. Not counted in ClinVar's aggregate classification.

Breast Cancer Information Core (BIC) (BRCA2)
Classification: Uncertain significance for Breast-ovarian cancer, familial 2. Last evaluated: 2001-10-29. Review status: no assertion criteria provided. Collection method: clinical testing. Allele origin: germline. Affected: yes. Observed: 1 variant allele. Not counted in ClinVar's aggregate classification.

NM_000059.4(BRCA2):c.2555A>G (p.Asn852Ser)

Gene: BRCA2 (BRCA2 DNA repair associated; plus strand). Cytogenetic location: 13q13.1.
Variant type: single nucleotide variant.
Coding change: c.2555A>G on transcript NM_000059.4 (MANE Select); coding-DNA position 2555, A replaced by G.
Protein change: p.Asn852Ser; replaces asparagine 852 with serine.
Molecular consequence: missense variant.
Genome position (GRCh38, 1-based): chr13:32,336,910, A>G. VCF-style: chr13-32336910-A-G. GRCh37 (hg19) VCF-style: chr13-32911047-A-G.
Other names: short protein forms N852S.
Identifiers: ClinVar variation 37790 (VCV000037790.18), dbSNP rs80358519, ClinGen allele CA015629.
Genomic context (GRCh38, chr13:32,336,910, plus strand): 5'-AGCTGTTGCCACCTGAAAAATACATGAGAGTAGCATCACCTTCAAGAAAGGTACAATTCA[A>G]CCAAAACACAAATCTAAGAGTAATCCAAAAAAATCAAGAAGAAACTACTTCAATTTCAAA-3'
Protein context (NP_000050.3, residues 842-862): VASPSRKVQF[Asn852Ser]QNTNLRVIQK